The following is an entry in ClinVar:

ClinVar aggregate classification (germline): Likely benign. Review status: criteria provided, multiple submitters, no conflicts (2 of 4 stars). 2 submissions from 2 submitters: Likely benign (2). Last evaluated 2025-05-28.

Conditions:
Cardiovascular phenotype. Identifiers: MedGen CN230736.

gnomAD v4.1: 10 of 1,613,900 alleles (0.00062%); highest among the groups gnomAD compares: Non-Finnish European, 0.00085%; no homozygotes.

Submissions (2):

Mayo Clinic Laboratories, Mayo Clinic
Classification: Likely benign. Last evaluated: 2025-05-28. Review status: criteria provided, single submitter. Criteria: ACMG Guidelines, 2015. Collection method: clinical testing. Allele origin: germline. Observed: 1 variant allele.
Comment: BP4, BP7, PM2_supporting

Ambry Genetics
Classification: Likely benign for Cardiovascular phenotype. Last evaluated: 2024-08-28. Review status: criteria provided, single submitter. Criteria: Ambry Variant Classification Scheme 2023. Collection method: clinical testing. Allele origin: germline.

NM_000089.4(COL1A2):c.3198T>C (p.Gly1066=)

Gene: COL1A2 (collagen type I alpha 2 chain; plus strand). Cytogenetic location: 7q21.3.
Variant type: single nucleotide variant.
Coding change: c.3198T>C on transcript NM_000089.4 (MANE Select); coding-DNA position 3198, T replaced by C.
Protein change: p.Gly1066=; no amino-acid change (glycine 1066 retained).
Molecular consequence: synonymous variant.
Genome position (GRCh38, 1-based): chr7:94,427,226, T>C. VCF-style: chr7-94427226-T-C. GRCh37 (hg19) VCF-style: chr7-94056538-T-C.
Other names: p.Gly1066=.
Identifiers: ClinVar variation 3495247 (VCV003495247.2).